The following is an entry in ClinVar:

NM_022124.6(CDH23):c.2385_2386del (p.Asp796fs)

Gene: CDH23 (cadherin related 23; plus strand). Cytogenetic location: 10q22.1.
Variant type: Deletion.
Coding change: c.2385_2386del on transcript NM_022124.6 (MANE Select); coding-DNA positions 2385 to 2386, 2 bases deleted (TG; older notation c.2385_2386delTG).
Protein change: p.Asp796fs; shifts the reading frame from aspartic acid 796.
Molecular consequence: frameshift variant.
Genome position (GRCh38, 1-based): chr10:71,695,513-71,695,514, TG deleted. VCF-style (leftmost placement, unchanged base first): chr10-71695512-CTG-C. GRCh37 (hg19) VCF-style: chr10-73455269-CTG-C.
Other names: c.2385_2386del, p.Asp796fs (NM_001171930.2, NM_001171931.2); short protein forms D796fs.
Identifiers: ClinVar variation 3011593 (VCV003011593.3), dbSNP rs2494022078, ClinGen allele CA2609541947.

ClinVar aggregate classification (germline): Pathogenic (1 of 4 stars; one submission).

Allele frequency attached by ClinVar (database versions not stated): gnomAD exomes below 0.00001.

Submission:

Labcorp Genetics (formerly Invitae), Labcorp
Classification: Pathogenic. Last evaluated: 2022-12-20. Review status: criteria provided, single submitter. Criteria: Invitae Variant Classification Sherloc (09022015). Collection method: clinical testing. Allele origin: germline.
Comment: This sequence change creates a premature translational stop signal (p.Asp796Cysfs*8) in the CDH23 gene. It is expected to result in an absent or disrupted protein product. Loss-of-function variants in CDH23 are known to be pathogenic (PMID: 11138009, 21940737). For these reasons, this variant has been classified as Pathogenic. This variant has not been reported in the literature in individuals affected with CDH23-related conditions. This variant is not present in population databases (gnomAD no frequency).

Literature cited by the submitters: PubMed 11138009; PubMed 21940737.